The following is an entry in ClinVar:

NM_003924.4(PHOX2B):c.406G>A (p.Asp136Asn)

Gene: PHOX2B (paired like homeobox 2B; minus strand). Cytogenetic location: 4p13.
Variant type: single nucleotide variant.
Coding change: c.406G>A on transcript NM_003924.4 (MANE Select); coding-DNA position 406, G replaced by A.
Protein change: p.Asp136Asn; replaces aspartic acid 136 with asparagine.
Molecular consequence: missense variant.
Genome position (GRCh38, 1-based): chr4:41,747,372, C>T on the plus strand (G>A on the coding strand, the complement: PHOX2B is on the minus strand). VCF-style: chr4-41747372-C-T. GRCh37 (hg19) VCF-style: chr4-41749389-C-T.
Other names: short protein forms D136N.
Identifiers: ClinVar variation 1363601 (VCV001363601.6), dbSNP rs2153112925, ClinGen allele CA356739859.
Genomic context (GRCh38, chr4:41,747,372, plus strand): 5'-GTGCGGCGGAGCGGGGTCGGTTTCCAGGCGCGCGTACCTGGACTCGCGCCTCTGTGAGGT[C>T]GATCTTCAGGGCCAGCTCCTCCCGAGTGTAGATGTCGGGGTAGTGAGTCTCCGCGAAGAC-3'
Protein context (NP_003915.2, residues 126-146): YTREELALKI[Asp136Asn]LTEARVQVWF

ClinVar aggregate classification (germline): Uncertain significance (1 of 4 stars; one submission).

Conditions:
Haddad syndrome (OHD). Also called: Ondine-Hirschsprung disease. Identifiers: Orphanet 99803, MedGen C1859049, MONDO:0020493.

Submission:

Labcorp Genetics (formerly Invitae), Labcorp
Classification: Uncertain significance for Haddad syndrome. Last evaluated: 2021-11-19. Review status: criteria provided, single submitter. Criteria: Invitae Variant Classification Sherloc (09022015). Collection method: clinical testing. Allele origin: germline.
Comment: In summary, the available evidence is currently insufficient to determine the role of this variant in disease. Therefore, it has been classified as a Variant of Uncertain Significance. Algorithms developed to predict the effect of missense changes on protein structure and function are either unavailable or do not agree on the potential impact of this missense change (SIFT: "Deleterious"; PolyPhen-2: "Probably Damaging"; Align-GVGD: "Class C15"). This variant has not been reported in the literature in individuals affected with PHOX2B-related conditions. This variant is not present in population databases (gnomAD no frequency). This sequence change replaces aspartic acid, which is acidic and polar, with asparagine, which is neutral and polar, at codon 136 of the PHOX2B protein (p.Asp136Asn).